The following is an entry in ClinVar:

NM_006642.5(SDCCAG8):c.66G>T (p.Arg22=)

Gene: SDCCAG8 (SHH signaling and ciliogenesis regulator SDCCAG8; plus strand). Cytogenetic location: 1q43.
Variant type: single nucleotide variant.
Coding change: c.66G>T on transcript NM_006642.5 (MANE Select); coding-DNA position 66, G replaced by T.
Protein change: p.Arg22=; no amino-acid change (arginine 22 retained).
Molecular consequence: synonymous variant. On other transcripts: 5 prime UTR variant (4).
Genome position (GRCh38, 1-based): chr1:243,256,239, G>T. VCF-style: chr1-243256239-G-T. GRCh37 (hg19) VCF-style: chr1-243419541-G-T.
Other names: c.-1047G>T (NM_001350246.2); c.-935G>T (NM_001350247.2); c.66G>T, p.Arg22= (NM_001350248.2); c.-242G>T (NM_001350249.2); c.-1308G>T (NM_001350251.2).
Identifiers: ClinVar variation 969829 (VCV000969829.7), dbSNP rs764668676, ClinGen allele CA1483175.

ClinVar aggregate classification (germline): Uncertain significance. Review status: criteria provided, single submitter (1 of 4 stars). 2 submissions from 2 submitters: Uncertain significance (1). 1 of the submissions does not count toward it. Last evaluated 2023-07-17.

Conditions:
SDCCAG8-related disorder. Also called: SDCCAG8-Related Disorders; SDCCAG8-related condition.
Bardet-Biedl syndrome 16 (BBS16). Identifiers: Orphanet 110, MedGen C3889474, MONDO:0014444, OMIM 615993.
Senior-Loken syndrome 7 (SLSN7). Identifiers: Orphanet 3156, MedGen C3150877, MONDO:0013326, OMIM 613615.

Allele frequency attached by ClinVar (database versions not stated): gnomAD exomes 0.00001; ExAC 0.00002; TOPMed 0.00002; gnomAD 0.00003.
gnomAD v4.1: 21 of 1,613,990 alleles (0.0013%); highest among the groups gnomAD compares: African/African-American, 0.004%; no homozygotes.

Submissions (2):

Labcorp Genetics (formerly Invitae), Labcorp
Classification: Uncertain significance for Bardet-Biedl syndrome 16; Senior-Loken syndrome 7. Last evaluated: 2023-07-17. Review status: criteria provided, single submitter. Criteria: Invitae Variant Classification Sherloc (09022015). Collection method: clinical testing. Allele origin: germline.
Comment: This variant has not been reported in the literature in individuals affected with SDCCAG8-related conditions. This variant is present in population databases (rs764668676, gnomAD 0.007%). This sequence change affects codon 22 of the SDCCAG8 mRNA. It is a 'silent' change, meaning that it does not change the encoded amino acid sequence of the SDCCAG8 protein. It affects a nucleotide within the consensus splice site. ClinVar contains an entry for this variant (Variation ID: 969829). Algorithms developed to predict the effect of sequence changes on RNA splicing suggest that this variant is not likely to affect RNA splicing. In summary, the available evidence is currently insufficient to determine the role of this variant in disease. Therefore, it has been classified as a Variant of Uncertain Significance.

PreventionGenetics, part of Exact Sciences
Classification: Likely benign for SDCCAG8-related condition. Last evaluated: 2020-07-17. Review status: no assertion criteria provided. Collection method: clinical testing. Allele origin: germline. Not counted in ClinVar's aggregate classification.
Comment: This variant is classified as likely benign based on ACMG/AMP sequence variant interpretation guidelines (Richards et al. 2015 PMID: 25741868, with internal and published modifications).